The following is an entry in ClinVar:

NM_006904.7(PRKDC):c.8645C>T (p.Ala2882Val)

Genes: PRKDC (protein kinase, DNA-activated, catalytic subunit; minus strand), LOC121740717 (Sharpr-MPRA regulatory region 7649; plus strand). Cytogenetic location: 8q11.21.
Variant type: single nucleotide variant.
Coding change: c.8645C>T on transcript NM_006904.7 (MANE Select); coding-DNA position 8645, C replaced by T.
Protein change: p.Ala2882Val; replaces alanine 2882 with valine.
Molecular consequence: missense variant.
Genome position (GRCh38, 1-based): chr8:47,826,794, G>A on the plus strand (C>T on the coding strand, the complement: PRKDC is on the minus strand). VCF-style: chr8-47826794-G-A. GRCh37 (hg19) VCF-style: chr8-48739355-G-A.
Other names: c.8645C>T, p.Ala2882Val (NM_001081640.2); short protein forms A2882V.
Identifiers: ClinVar variation 2497363 (VCV002497363.2), dbSNP rs1440627101, ClinGen allele CA371143987.
Genomic context (GRCh38, chr8:47,826,794, plus strand): 5'-GGCAGCAGGCGGAGCAGAGCCTCCTCTAGCAGGCGGATGCCCACGGGCTGCTGTAGGCTG[G>A]CCAGGCAACCAGCGCTAACAGCCGCTGGGTCGAGGCTCAGCAGGGCTGCGTGCTGACAGC-3'
Protein context (NP_008835.5, residues 2872-2892): DPAAVSAGCL[Ala2882Val]SLQQPVGIRL

ClinVar aggregate classification (germline): Uncertain significance (1 of 4 stars; one submission).

Allele frequency attached by ClinVar (database versions not stated): gnomAD exomes below 0.00001.
gnomAD v4.1: 1 of 1,609,250 alleles (0.000062%); highest among the groups gnomAD compares: South Asian, 0.0011%; no homozygotes.

Submission:

Ambry Genetics
Classification: Uncertain significance. Last evaluated: 2023-02-09. Review status: criteria provided, single submitter. Criteria: Ambry Variant Classification Scheme 2023. Collection method: clinical testing. Allele origin: germline.
Comment: The p.A2882V variant (also known as c.8645C>T), located in coding exon 63 of the PRKDC gene, results from a C to T substitution at nucleotide position 8645. The alanine at codon 2882 is replaced by valine, an amino acid with similar properties. This amino acid position is conserved. Since supporting evidence is limited at this time, the clinical significance of this alteration remains unclear.